The following is an entry in ClinVar:

ClinVar aggregate classification (germline): Uncertain significance (1 of 4 stars; one submission).

Submission:

Labcorp Genetics (formerly Invitae), Labcorp
Classification: Uncertain significance. Last evaluated: 2022-05-21. Review status: criteria provided, single submitter. Criteria: Invitae Variant Classification Sherloc (09022015). Collection method: clinical testing. Allele origin: germline.
Comment: This variant, c.1904_1945dup, results in the insertion of 14 amino acid(s) of the BCL11B protein (p.Asp635_Gly648dup), but otherwise preserves the integrity of the reading frame. The frequency data for this variant in the population databases is considered unreliable, as metrics indicate insufficient coverage at this position in the gnomAD database. In summary, the available evidence is currently insufficient to determine the role of this variant in disease. Therefore, it has been classified as a Variant of Uncertain Significance. Experimental studies and prediction algorithms are not available or were not evaluated, and the functional significance of this variant is currently unknown. This variant has not been reported in the literature in individuals affected with BCL11B-related conditions.

NM_138576.4(BCL11B):c.1904_1945dup (p.Gly648_Gly649insAspAspAspAspAlaGlyGlyCysGlyAspAlaGlyAlaGly)

Gene: BCL11B (BCL11 transcription factor B; minus strand). Cytogenetic location: 14q32.2.
Variant type: Duplication.
Coding change: c.1904_1945dup on transcript NM_138576.4 (MANE Select); coding-DNA positions 1904 to 1945, 42 bases duplicated.
Protein change: p.Gly648_Gly649insAspAspAspAspAlaGlyGlyCysGlyAspAlaGlyAlaGly.
Molecular consequence: inframe insertion.
Genome position (GRCh38, 1-based): chr14:99,174,891-99,174,932, 42 bases duplicated; duplicating any 42 consecutive bases within chr14:99,174,891-99,174,940 gives the same sequence; the c. name uses the placement nearest the transcript's 3' end. GRCh37 (hg19): chr14:99,641,236-99,641,277.
Other names: c.1901_1942dup, p.Gly647_Gly648insAspAspAspAspAlaGlyGlyCysGlyAspAlaGlyAlaGly (NM_001282237.2); c.1688_1729dup, p.Gly576_Gly577insAspAspAspAspAlaGlyGlyCysGlyAspAlaGlyAlaGly (NM_001282238.2); c.1691_1732dup, p.Gly577_Gly578insAspAspAspAspAlaGlyGlyCysGlyAspAlaGlyAlaGly (NM_022898.3).
Identifiers: ClinVar variation 1949589 (VCV001949589.5), dbSNP rs2503640587, ClinGen allele CA2580089064.